The following is an entry in ClinVar:

NM_000286.3(PEX12):c.538C>T (p.Arg180Ter)

Gene: PEX12 (peroxisomal biogenesis factor 12; minus strand). Cytogenetic location: 17q12.
Variant type: single nucleotide variant.
Coding change: c.538C>T on transcript NM_000286.3 (MANE Select); coding-DNA position 538, C replaced by T.
Protein change: p.Arg180Ter; replaces arginine 180 with a stop codon.
Molecular consequence: nonsense.
Genome position (GRCh38, 1-based): chr17:35,577,180, G>A on the plus strand (C>T on the coding strand, the complement: PEX12 is on the minus strand). VCF-style: chr17-35577180-G-A. GRCh37 (hg19) VCF-style: chr17-33904199-G-A.
Other names: short protein forms R180*.
Identifiers: ClinVar variation 7774 (VCV000007774.15), dbSNP rs61752103, ClinGen allele CA119065.

ClinVar aggregate classification (germline): Pathogenic. Review status: criteria provided, multiple submitters, no conflicts (2 of 4 stars). 9 submissions from 8 submitters: Pathogenic (6). 3 of the submissions do not count toward it. Last evaluated 2026-01-20.

Conditions:
PEX12-related disorder. Also called: PEX12-related condition; PEX12-related disorders.
Peroxisome biogenesis disorder type 3B. Identifiers: Orphanet 44, Orphanet 772, MedGen C3550693, MONDO:0009959, OMIM 266510.
Peroxisome biogenesis disorder 3A (Zellweger). Also called: PEROXISOMAL BIOGENESIS DISORDER 3A (ZELLWEGER); Peroxisome biogenesis disorder 3A. Identifiers: Orphanet 912, MedGen C3553929, MONDO:0013927, OMIM 614859.
Peroxisomal biogenesis disorder 3b. Identifiers: MedGen C3551381.
Peroxisome biogenesis disorder. Identifiers: Orphanet 79189, MedGen C1832200, MONDO:0019234. Disease mechanism: loss of function.

Allele frequency attached by ClinVar (database versions not stated): gnomAD 0.00003 and 0.00004; TOPMed 0.00003.

Submissions (9):

Labcorp Genetics (formerly Invitae), Labcorp
Classification: Pathogenic for Peroxisome biogenesis disorder 3A (Zellweger). Last evaluated: 2026-01-20. Review status: criteria provided, single submitter. Criteria: Invitae Variant Classification Sherloc (09022015). Collection method: clinical testing. Allele origin: germline.
Comment: This sequence change creates a premature translational stop signal (p.Arg180*) in the PEX12 gene. It is expected to result in an absent or disrupted protein product. Loss-of-function variants in PEX12 are known to be pathogenic (PMID: 9090384, 9632816, 21031596). This variant is present in population databases (rs61752103, gnomAD 0.006%). This premature translational stop signal has been observed in individual(s) with clinical features of Zellweger syndrome (PMID: 9792857, 24627108). ClinVar contains an entry for this variant (Variation ID: 7774). For these reasons, this variant has been classified as Pathogenic.

PreventionGenetics, part of Exact Sciences
Classification: Pathogenic for PEX12-related condition. Last evaluated: 2025-01-06. Review status: criteria provided, single submitter. Criteria: ACMG Guidelines, 2015. Collection method: clinical testing. Allele origin: germline.
Comment: The PEX12 c.538C>T variant is predicted to result in premature protein termination (p.Arg180*). This variant was reported in individuals with peroxisome biogenesis disorder (see, for example, Chang et al. 1998. PubMed ID: 9792857; supplementary data, Schabhüttl et al. 2014. PubMed ID: 24627108). This variant is reported in 0.0070% of alleles in individuals of European (Non-Finnish) descent in gnomAD. Nonsense variants in PEX12 are expected to be pathogenic. This variant is interpreted as pathogenic.

Baylor Genetics
Classification: Pathogenic for Peroxisome biogenesis disorder 3A (Zellweger). Last evaluated: 2024-03-27. Review status: criteria provided, single submitter. Criteria: ACMG Guidelines, 2015. Collection method: clinical testing. Allele origin: unknown.

Blueprint Genetics
Classification: Pathogenic for PEX12-related disorders. Last evaluated: 2023-11-08. Review status: criteria provided, single submitter. Criteria: ACMG Guidelines, 2015. Collection method: clinical testing. Allele origin: germline. Affected: yes. Observed: 5 variant alleles.

Women's Health and Genetics/Laboratory Corporation of America, LabCorp
Classification: Pathogenic for Peroxisome biogenesis disorders, Zellweger syndrome spectrum. Last evaluated: 2019-10-14. Review status: criteria provided, single submitter. Criteria: LabCorp Variant Classification Summary - May 2015. Collection method: clinical testing. Allele origin: germline.
Comment: Variant summary: PEX12 c.538C>T (p.Arg180X) results in a premature termination codon, predicted to cause a truncation of the encoded protein or absence of the protein due to nonsense mediated decay, which are commonly known mechanisms for disease. Truncations downstream of this position have been classified as pathogenic by our laboratory. The variant allele was found at a frequency of 3.6e-05 in 251490 control chromosomes (gnomAD). c.538C>T has been reported in the literature in individuals affected with Zellweger Syndrome (Okumoto_1998, Chang_1998, Schabhuttl_2014, Gootjes_2004, Dranchak_2011). These data indicate that the variant is likely to be associated with disease. To our knowledge, no experimental evidence demonstrating an impact on protein function has been reported. Two ClinVar submitters (evaluation after 2014) cite the variant as pathogenic. Based on the evidence outlined above, the variant was classified as pathogenic.

Fulgent Genetics
Classification: Pathogenic for Peroxisome biogenesis disorder type 3B; Peroxisome biogenesis disorder 3A (Zellweger). Last evaluated: 2018-10-31. Review status: criteria provided, single submitter. Criteria: ACMG Guidelines, 2015. Collection method: clinical testing. Allele origin: unknown.

Counsyl
Classification: Pathogenic for Peroxisome biogenesis disorder type 3B; Peroxisome biogenesis disorder 3A (Zellweger). Last evaluated: 2017-03-08. Review status: no assertion criteria provided. Collection method: clinical testing. Allele origin: unknown. Not counted in ClinVar's aggregate classification.

OMIM
Classification: Pathogenic for PEROXISOMAL BIOGENESIS DISORDER 3A (ZELLWEGER). Last evaluated: 2004-06-08. Review status: no assertion criteria provided. Collection method: literature only. Allele origin: germline. Not counted in ClinVar's aggregate classification.

OMIM
Classification: Pathogenic for PEROXISOMAL BIOGENESIS DISORDER 3B. Last evaluated: 2004-06-08. Review status: no assertion criteria provided. Collection method: literature only. Allele origin: germline. Not counted in ClinVar's aggregate classification.

Literature cited by the submitters: PubMed 9090384 (cited by Labcorp Genetics (formerly Invitae), Labcorp); PubMed 9632816 (cited by 3 submitters); PubMed 21031596 (cited by 3 submitters); PubMed 9792857 (cited by 4 submitters); PubMed 24627108 (cited by Labcorp Genetics (formerly Invitae), Labcorp and Women's Health and Genetics/Laboratory Corporation of America, LabCorp); PubMed 15542397 (cited by Women's Health and Genetics/Laboratory Corporation of America, LabCorp); PubMed 21465523 (cited by Women's Health and Genetics/Laboratory Corporation of America, LabCorp); PubMed 10527683 (cited by Women's Health and Genetics/Laboratory Corporation of America, LabCorp); PubMed 15184617 (cited by Women's Health and Genetics/Laboratory Corporation of America, LabCorp and OMIM); PubMed 10837480 (cited by Women's Health and Genetics/Laboratory Corporation of America, LabCorp); PubMed 19127411 (cited by Women's Health and Genetics/Laboratory Corporation of America, LabCorp).